The following is an entry in ClinVar:

NM_025114.4(CEP290):c.3461+8C>T

Gene: CEP290 (centrosomal protein 290; minus strand). Cytogenetic location: 12q21.32.
Variant type: single nucleotide variant.
Coding change: c.3461+8C>T on transcript NM_025114.4 (MANE Select); 8 bases into the intron after coding-DNA position 3461, C replaced by T.
Molecular consequence: intron variant.
Genome position (GRCh38, 1-based): chr12:88,092,673, G>A on the plus strand (C>T on the coding strand, the complement: CEP290 is on the minus strand). VCF-style: chr12-88092673-G-A. GRCh37 (hg19) VCF-style: chr12-88486450-G-A.
Other names: c.3461+8C>T (NM_025114.3).
Identifiers: ClinVar variation 1120360 (VCV001120360.10), dbSNP rs1370236429, ClinGen allele CA606456150.

ClinVar aggregate classification (germline): Likely benign. Review status: criteria provided, single submitter (1 of 4 stars). 2 submissions from 2 submitters: Likely benign (1). 1 of the submissions does not count toward it. Last evaluated 2023-03-21.

Conditions:
CEP290-related disorder. Also called: CEP290-related disorders; CEP290-related condition. Identifiers: MedGen CN239314.
Joubert syndrome. Also called: CEREBELLOPARENCHYMAL DISORDER IV; JOUBERT-BOLTSHAUSER SYNDROME; Familial aplasia of the vermis. Identifiers: Orphanet 475, MedGen C5979921, MONDO:0018772.
Nephronophthisis. Also called: Juvenile Nephronophthisis. Identifiers: Orphanet 655, MedGen C0687120, MONDO:0019005, HP:0000090.
Meckel-Gruber syndrome. Also called: DYSENCEPHALIA SPLANCHNOCYSTICA; GRUBER SYNDROME; Dysencephalia splachnocystica. Identifiers: Orphanet 564, MedGen C0265215, MONDO:0018921.

Allele frequency attached by ClinVar (database versions not stated): gnomAD exomes below 0.00001; TOPMed below 0.00001; gnomAD 0.00001.
gnomAD v4.1: 2 of 1,602,718 alleles (0.00012%); highest among the groups gnomAD compares: Middle Eastern, 0.017%; no homozygotes.

Submissions (2):

Labcorp Genetics (formerly Invitae), Labcorp
Classification: Likely benign for Joubert syndrome; Meckel-Gruber syndrome; Nephronophthisis. Last evaluated: 2023-03-21. Review status: criteria provided, single submitter. Criteria: Invitae Variant Classification Sherloc (09022015). Collection method: clinical testing. Allele origin: germline.

PreventionGenetics, part of Exact Sciences
Classification: Likely benign for CEP290-related condition. Last evaluated: 2023-11-10. Review status: no assertion criteria provided. Collection method: clinical testing. Allele origin: germline. Not counted in ClinVar's aggregate classification.
Comment: This variant is classified as likely benign based on ACMG/AMP sequence variant interpretation guidelines (Richards et al. 2015 PMID: 25741868, with internal and published modifications).